The following is an entry in ClinVar:

NM_006030.4(CACNA2D2):c.409_413dup (p.Asp139fs)

Gene: CACNA2D2 (calcium voltage-gated channel auxiliary subunit alpha2delta 2; minus strand). Cytogenetic location: 3p21.31.
Variant type: Duplication.
Coding change: c.409_413dup on transcript NM_006030.4 (MANE Select); coding-DNA positions 409 to 413, 5 bases duplicated (CTGGC; older notation c.409_413dupCTGGC).
Protein change: p.Asp139fs; shifts the reading frame from aspartic acid 139.
Molecular consequence: frameshift variant.
Genome position (GRCh38, 1-based): chr3:50,394,161-50,394,165, GCCAG duplicated on the plus strand (CTGGC on the coding strand, the reverse complement: CACNA2D2 is on the minus strand). VCF-style (leftmost placement, unchanged base first): chr3-50394160-A-AGCCAG. GRCh37 (hg19) VCF-style: chr3-50431591-A-AGCCAG.
Other names: c.409_413dup, p.Asp139fs (NM_001005505.3, NM_001174051.3, NM_001410768.1); c.202_206dup, p.Asp70fs (NM_001291101.1); short protein forms D139fs, D70fs.
Identifiers: ClinVar variation 2829984 (VCV002829984.3), dbSNP rs2471063394, ClinGen allele CA2739278014.

ClinVar aggregate classification (germline): Pathogenic (1 of 4 stars; one submission).

Conditions:
Early-infantile DEE. Also called: Early infantile epileptic encephalopathy; Early infantile epileptic encephalopathy with suppression bursts; Ohtahara syndrome. Identifiers: Orphanet 1934, MedGen C0393706, MONDO:0800491.

Submission:

Labcorp Genetics (formerly Invitae), Labcorp
Classification: Pathogenic for Early-infantile DEE. Last evaluated: 2023-12-11. Review status: criteria provided, single submitter. Criteria: Invitae Variant Classification Sherloc (09022015). Collection method: clinical testing. Allele origin: germline.
Comment: This sequence change creates a premature translational stop signal (p.Asp139Trpfs*51) in the CACNA2D2 gene. It is expected to result in an absent or disrupted protein product. Loss-of-function variants in CACNA2D2 are known to be pathogenic (PMID: 24358150). This variant is not present in population databases (gnomAD no frequency). This variant has not been reported in the literature in individuals affected with CACNA2D2-related conditions. For these reasons, this variant has been classified as Pathogenic.

Literature cited by the submitters: PubMed 24358150.